The following is an entry in ClinVar:

NM_003560.4(PLA2G6):c.1620G>A (p.Met540Ile)

Gene: PLA2G6 (phospholipase A2 group VI; minus strand). Cytogenetic location: 22q13.1.
Variant type: single nucleotide variant.
Coding change: c.1620G>A on transcript NM_003560.4 (MANE Select); coding-DNA position 1620, G replaced by A.
Protein change: p.Met540Ile; replaces methionine 540 with isoleucine.
Molecular consequence: missense variant.
Genome position (GRCh38, 1-based): chr22:38,120,881, C>T on the plus strand (G>A on the coding strand, the complement: PLA2G6 is on the minus strand). VCF-style: chr22-38120881-C-T. GRCh37 (hg19) VCF-style: chr22-38516888-C-T.
Other names: c.1458G>A, p.Met486Ile (NM_001004426.3, NM_001199562.3, NM_001349865.2 and 1 more transcripts); c.1620G>A, p.Met540Ile (NM_001349864.2); c.1086G>A, p.Met362Ile (NM_001349867.2); c.942G>A, p.Met314Ile (NM_001349868.2); c.924G>A, p.Met308Ile (NM_001349869.2); short protein forms M362I, M314I, M486I, M308I, M540I.
Identifiers: ClinVar variation 1407216 (VCV001407216.3), dbSNP rs527807604, ClinGen allele CA10230789.

ClinVar aggregate classification (germline): Uncertain significance (1 of 4 stars; one submission).

Conditions:
Infantile neuroaxonal dystrophy (NBIA2A). Also called: NEURODEGENERATION WITH BRAIN IRON ACCUMULATION 2A; SEITELBERGER DISEASE; Infantile neuroaxonal dystrophy 1. Identifiers: Orphanet 35069, MedGen C0270724, MONDO:0024457, OMIM 256600.

Allele frequency attached by ClinVar (database versions not stated): ExAC 0.00001; gnomAD exomes below 0.00001; gnomAD 0.00001.
gnomAD v4.1: 4 of 1,613,778 alleles (0.00025%); highest among the groups gnomAD compares: East Asian, 0.0045%; no homozygotes.

Submission:

Labcorp Genetics (formerly Invitae), Labcorp
Classification: Uncertain significance for Infantile neuroaxonal dystrophy. Last evaluated: 2021-12-20. Review status: criteria provided, single submitter. Criteria: Invitae Variant Classification Sherloc (09022015). Collection method: clinical testing. Allele origin: germline.
Comment: This sequence change replaces methionine, which is neutral and non-polar, with isoleucine, which is neutral and non-polar, at codon 540 of the PLA2G6 protein (p.Met540Ile). This variant is present in population databases (rs527807604, gnomAD 0.006%). This variant has not been reported in the literature in individuals affected with PLA2G6-related conditions. Advanced modeling of protein sequence and biophysical properties (such as structural, functional, and spatial information, amino acid conservation, physicochemical variation, residue mobility, and thermodynamic stability) performed at Invitae indicates that this missense variant is not expected to disrupt PLA2G6 protein function. In summary, the available evidence is currently insufficient to determine the role of this variant in disease. Therefore, it has been classified as a Variant of Uncertain Significance.